The following is an entry in ClinVar:

ClinVar aggregate classification (germline): Uncertain significance (1 of 4 stars; one submission).

Conditions:
Wilson disease (WND). Also called: Wilson's disease. Identifiers: Orphanet 905, MedGen C0019202, MONDO:0010200, OMIM 277900. Disease mechanism: loss of function.

Allele frequency attached by ClinVar (database versions not stated): gnomAD exomes below 0.00001; TOPMed below 0.00001.

Submission:

All of Us Research Program, National Institutes of Health
Classification: Uncertain significance for Wilson disease. Last evaluated: 2024-08-06. Review status: criteria provided, single submitter. Criteria: ACMG Guidelines, 2015. Collection method: clinical testing. Allele origin: germline. Inheritance: Autosomal recessive inheritance. Observed: 2 variant alleles, 2 heterozygotes.
Comment: This variant changes 1 nucleotide in exon 1 of the ATP7B gene, creating a premature translation stop signal. This variant is expected to result in an absent or non-functional protein product. While this variant is expected to result in nonsense-mediated mRNA decay, clinical findings and functional study results of a different truncation variant in this region, c.19_20del (p.Gln7Aspfs*14), raises the possibility that the predicted harmful effect of this variant may be mitigated, presumably by an alternate translation initiation at a downstream (PMID: 30723317). To our knowledge, this variant has not been reported in individuals affected with ATP7B-related disorders in the literature. This variant has been identified in 1/249444 chromosomes in the general population by the Genome Aggregation Database (gnomAD). Loss of ATP7B function is a known mechanism of disease. The available evidence is insufficient to determine the role of this variant in disease conclusively. Therefore, this variant is classified as a Variant of Uncertain Significance.

This study involves interpretation of variants in research participants for the purpose of population health screening. Participant phenotype was not available at the time of variant classification. Additional details can be found in publication PMID: 35346344, PMCID: PMC8962531

Literature cited by the submitters: PubMed 30723317.

NM_000053.4(ATP7B):c.19C>T (p.Gln7Ter)

Gene: ATP7B (ATPase copper transporting beta; minus strand). Cytogenetic location: 13q14.3.
Variant type: single nucleotide variant.
Coding change: c.19C>T on transcript NM_000053.4 (MANE Select); coding-DNA position 19, C replaced by T.
Protein change: p.Gln7Ter; replaces glutamine 7 with a stop codon.
Molecular consequence: nonsense. On other transcripts: 5 prime UTR variant (3).
Genome position (GRCh38, 1-based): chr13:52,011,319, G>A on the plus strand (C>T on the coding strand, the complement: ATP7B is on the minus strand). VCF-style: chr13-52011319-G-A. GRCh37 (hg19) VCF-style: chr13-52585455-G-A.
Other names: c.19C>T, p.Gln7Ter (NM_001005918.3, NM_001243182.2, NM_001330578.2 and 30 more transcripts); c.-169C>T (NM_001406518.1); c.-111C>T (NM_001406539.1, NM_001406543.1); short protein forms Q7*.
Identifiers: ClinVar variation 3073005 (VCV003073005.2), dbSNP rs1392407744, ClinGen allele CA388047670.